The following is an entry in ClinVar:

ClinVar aggregate classification (germline): Uncertain significance (1 of 4 stars; one submission).

Allele frequency attached by ClinVar (database versions not stated): ExAC 0.00001; gnomAD 0.00001; TOPMed 0.00001.
gnomAD v4.1: 2 of 1,613,252 alleles (0.00012%); highest among the groups gnomAD compares: African/African-American, 0.0027%; no homozygotes.

Submission:

GeneDx
Classification: Uncertain significance. Last evaluated: 2019-12-30. Review status: criteria provided, single submitter. Criteria: GeneDx Variant Classification Process June 2021. Collection method: clinical testing. Allele origin: germline. Affected: yes.
Comment: In silico analysis, which includes protein predictors and evolutionary conservation, supports that this variant does not alter protein structure/function; Has not been previously published as pathogenic or benign to our knowledge

NM_001347721.2(DYRK1A):c.93T>A (p.Ala31=)

Gene: DYRK1A (dual specificity tyrosine phosphorylation regulated kinase 1A; plus strand). Cytogenetic location: 21q22.13.
Variant type: single nucleotide variant.
Coding change: c.93T>A on transcript NM_001347721.2 (MANE Select); coding-DNA position 93, T replaced by A.
Protein change: p.Ala31=; no amino-acid change (alanine 31 retained).
Molecular consequence: synonymous variant.
Genome position (GRCh38, 1-based): chr21:37,472,766, T>A. VCF-style: chr21-37472766-T-A. GRCh37 (hg19) VCF-style: chr21-38845068-T-A.
Other names: c.93T>A, p.Ala31= (NM_001347722.2, NM_001396.5, NM_101395.2 and 2 more transcripts); c.6T>A, p.Ala2= (NM_001347723.2).
Identifiers: ClinVar variation 1311471 (VCV001311471.2), dbSNP rs776043893, ClinGen allele CA10023708.